The following is an entry in ClinVar:

NM_182760.4(SUMF1):c.605C>A (p.Pro202Gln)

Gene: SUMF1 (sulfatase modifying factor 1; minus strand). Cytogenetic location: 3p26.1.
Variant type: single nucleotide variant.
Coding change: c.605C>A on transcript NM_182760.4 (MANE Select); coding-DNA position 605, C replaced by A.
Protein change: p.Pro202Gln; replaces proline 202 with glutamine.
Molecular consequence: missense variant.
Genome position (GRCh38, 1-based): chr3:4,418,130, G>T on the plus strand (C>A on the coding strand, the complement: SUMF1 is on the minus strand). VCF-style: chr3-4418130-G-T. GRCh37 (hg19) VCF-style: chr3-4459814-G-T.
Other names: c.530C>A, p.Pro177Gln (NM_001164674.2); c.605C>A, p.Pro202Gln (NM_001164675.2); short protein forms P202Q, P177Q.
Identifiers: ClinVar variation 1496993 (VCV001496993.3), dbSNP rs147775545, ClinGen allele CA2230522.

ClinVar aggregate classification (germline): Uncertain significance (1 of 4 stars; one submission).

Conditions:
Multiple sulfatase deficiency (MSD). Also called: Mucosulfatidosis; Multiple Sulfatase Deficiency Disease; Sulfatidosis, Juvenile, Austin Type. Identifiers: Orphanet 585, MedGen C0268263, MONDO:0010088, OMIM 272200.

gnomAD v4.1: 3 of 1,613,904 alleles (0.00019%); highest among the groups gnomAD compares: Admixed American, 0.005%; no homozygotes.

Submission:

Labcorp Genetics (formerly Invitae), Labcorp
Classification: Uncertain significance for Multiple sulfatase deficiency. Last evaluated: 2022-08-23. Review status: criteria provided, single submitter. Criteria: Invitae Variant Classification Sherloc (09022015). Collection method: clinical testing. Allele origin: germline.
Comment: This sequence change replaces proline, which is neutral and non-polar, with glutamine, which is neutral and polar, at codon 202 of the SUMF1 protein (p.Pro202Gln). The frequency data for this variant in the population databases is considered unreliable, as metrics indicate poor data quality at this position in the gnomAD database. This variant has not been reported in the literature in individuals affected with SUMF1-related conditions. ClinVar contains an entry for this variant (Variation ID: 1496993). Algorithms developed to predict the effect of missense changes on protein structure and function output the following: SIFT: "Tolerated"; PolyPhen-2: "Benign"; Align-GVGD: "Class C0". The glutamine amino acid residue is found in multiple mammalian species, which suggests that this missense change does not adversely affect protein function. Algorithms developed to predict the effect of sequence changes on RNA splicing suggest that this variant may create or strengthen a splice site. In summary, the available evidence is currently insufficient to determine the role of this variant in disease. Therefore, it has been classified as a Variant of Uncertain Significance.